The following is an entry in ClinVar:

ClinVar aggregate classification (germline): Benign/Likely benign. Review status: criteria provided, multiple submitters, no conflicts (2 of 4 stars). 2 submissions from 2 submitters: Benign (1); Likely benign (1). Last evaluated 2018-12-22.

Conditions:
Hypoparathyroidism, deafness, renal disease syndrome (HDRS). Also called: HYPOPARATHYROIDISM, SENSORINEURAL DEAFNESS, AND RENAL DYSPLASIA SYNDROME. Identifiers: Orphanet 2237, MedGen C1840333, MONDO:0007797, OMIM 146255.

Allele frequency attached by ClinVar (database versions not stated): gnomAD exomes 0.00029; 1000 Genomes Project 30x 0.00281; 1000 Genomes Project 0.00300; gnomAD 0.00302 and 0.00332; TOPMed 0.00334.
gnomAD v4.1: 536 of 428,676 alleles (0.13%); highest among the groups gnomAD compares: African/African-American, 1%; 1 homozygote.

Submissions (2):

GeneDx
Classification: Likely benign. Last evaluated: 2018-12-22. Review status: criteria provided, single submitter. Criteria: GeneDx Variant Classification Process June 2021. Collection method: clinical testing. Allele origin: germline. Affected: yes.

Illumina Laboratory Services, Illumina
Classification: Benign for Hypoparathyroidism, deafness, renal disease syndrome. Last evaluated: 2018-01-12. Review status: criteria provided, single submitter. Criteria: ICSL Variant Classification Criteria 13 December 2019. Collection method: clinical testing. Allele origin: germline.
Comment: This variant was observed in the ICSL laboratory as part of a predisposition screen in an ostensibly healthy population. It had not been previously curated by ICSL or reported in the Human Gene Mutation Database (HGMD: prior to June 1st, 2018), and was therefore a candidate for classification through an automated scoring system. Utilizing variant allele frequency, disease prevalence and penetrance estimates, and inheritance mode, an automated score was calculated to assess if this variant is too frequent to cause the disease. Based on the score and internal cut-off values, a variant classified as benign is not then subjected to further curation. The score for this variant resulted in a classification of benign for this disease.

NM_001002295.2(GATA3):c.-359G>A

Gene: GATA3 (GATA binding protein 3; plus strand). Cytogenetic location: 10p14.
Variant type: single nucleotide variant.
Coding change: c.-359G>A on transcript NM_001002295.2 (MANE Select); 359 bases upstream of the start codon, G replaced by A.
Molecular consequence: 5 prime UTR variant.
Genome position (GRCh38, 1-based): chr10:8,055,297, G>A. VCF-style: chr10-8055297-G-A. GRCh37 (hg19) VCF-style: chr10-8097260-G-A.
Other names: c.-359G>A (NM_002051.3).
Identifiers: ClinVar variation 301105 (VCV000301105.7), dbSNP rs138512915, ClinGen allele CA10636598.